The following is an entry in ClinVar:

NM_152296.5(ATP1A3):c.688C>T (p.Arg230Trp)

Gene: ATP1A3 (ATPase Na+/K+ transporting subunit alpha 3; minus strand). Cytogenetic location: 19q13.2.
Variant type: single nucleotide variant.
Coding change: c.688C>T on transcript NM_152296.5 (MANE Select); coding-DNA position 688, C replaced by T.
Protein change: p.Arg230Trp; replaces arginine 230 with tryptophan.
Molecular consequence: missense variant.
Genome position (GRCh38, 1-based): chr19:41,985,342, G>A on the plus strand (C>T on the coding strand, the complement: ATP1A3 is on the minus strand). VCF-style: chr19-41985342-G-A. GRCh37 (hg19) VCF-style: chr19-42489494-G-A.
Other names: c.721C>T, p.Arg241Trp (NM_001256213.2); c.727C>T, p.Arg243Trp (NM_001256214.2); short protein forms R230W, R241W, R243W.
Identifiers: ClinVar variation 2419578 (VCV002419578.6), dbSNP rs782251693, ClinGen allele CA9467811.
Genomic context (GRCh38, chr19:41,985,342, plus strand): 5'-GTGTCTTCTCTGCACCCGCCTCACCTTCCACACAGTTGGTGGAAAAGAAGGTGATGTTCC[G>A]AGTCTCCAAGGGGTTGTCGTGAGTGCAGTCGGGAGAGCGAGTCTGGGGCTCGGATTCGCC-3'
Protein context (NP_689509.1, residues 220-240): DCTHDNPLET[Arg230Trp]NITFFSTNCV

ClinVar aggregate classification (germline): Uncertain significance (1 of 4 stars; one submission).

Conditions:
Dystonia 12 (DYT12). Also called: Rapid-Onset Dystonia-Parkinsonism (RDP); DYT-ATP1A3. Identifiers: Orphanet 71517, MedGen C1868681, MONDO:0007496, OMIM 128235.

Allele frequency attached by ClinVar (database versions not stated): gnomAD exomes below 0.00001; ExAC 0.00001.

Submission:

Labcorp Genetics (formerly Invitae), Labcorp
Classification: Uncertain significance for Dystonia 12. Last evaluated: 2025-12-01. Review status: criteria provided, single submitter. Criteria: Invitae Variant Classification Sherloc (09022015). Collection method: clinical testing. Allele origin: germline.
Comment: This sequence change replaces arginine, which is basic and polar, with tryptophan, which is neutral and slightly polar, at codon 230 of the ATP1A3 protein (p.Arg230Trp). The frequency data for this variant in the population databases is considered unreliable, as metrics indicate poor data quality at this position in the gnomAD database. This variant has not been reported in the literature in individuals affected with ATP1A3-related conditions. ClinVar contains an entry for this variant (Variation ID: 2419578). Invitae Evidence Modeling of protein sequence and biophysical properties (such as structural, functional, and spatial information, amino acid conservation, physicochemical variation, residue mobility, and thermodynamic stability) indicates that this missense variant is expected to disrupt ATP1A3 protein function with a positive predictive value of 95%. In summary, the available evidence is currently insufficient to determine the role of this variant in disease. Therefore, it has been classified as a Variant of Uncertain Significance.